The following is an entry in ClinVar:

ClinVar aggregate classification (germline): Pathogenic (1 of 4 stars; one submission).

Submission:

GeneDx
Classification: Pathogenic. Last evaluated: 2018-05-08. Review status: criteria provided, single submitter. Criteria: GeneDx Variant Classification (06012015). Collection method: clinical testing. Allele origin: germline. Affected: yes.
Comment: The c.1195delA variant in the CASK gene has not been reported previously as a pathogenic variant nor as a benign variant, to our knowledge. The c.1195delA variant causes a frameshift starting with codon Arginine 399, changes this amino acid to a Glycine residue, and creates a premature Stop codon at position 30 of the new reading frame, denoted p.Arg399GlyfsX30. This variant is predicted to cause loss of normal protein function either through protein truncation or nonsense-mediated mRNA decay. The c.1195delA variant is not observed in large population cohorts (Lek et al., 2016). We interpret c.1195delA as a pathogenic variant.

NM_001367721.1(CASK):c.1195del (p.Arg399fs)

Gene: CASK (calcium/calmodulin dependent serine protein kinase; minus strand). Cytogenetic location: Xp11.4.
Variant type: Deletion.
Coding change: c.1195del on transcript NM_001367721.1 (MANE Select); coding-DNA position 1195, one base deleted (A; older notation c.1195delA).
Protein change: p.Arg399fs; shifts the reading frame from arginine 399.
Molecular consequence: frameshift variant.
Genome position (GRCh38, 1-based): chrX:41,589,553, T deleted on the plus strand (A on the coding strand, the reverse complement: CASK is on the minus strand). VCF-style (leftmost placement, unchanged base first): chrX-41589552-CT-C. GRCh37 (hg19) VCF-style: chrX-41448805-CT-C.
Other names: c.1195delA (NM_003688.3); c.1195delA, p.Arg399Glyfs (NM_001126054.3, NM_003688.4); c.1177delA, p.Arg393Glyfs (NM_001126055.3, NM_001410745.1); short protein forms R393fs, R399fs.
Identifiers: ClinVar variation 524165 (VCV000524165.2), dbSNP rs1555989338, ClinGen allele CA658799724.